The following is an entry in ClinVar:

NM_000038.6(APC):c.1953C>A (p.Asp651Glu)

Gene: APC (APC regulator of Wnt signaling pathway; plus strand). Cytogenetic location: 5q22.2.
Variant type: single nucleotide variant.
Coding change: c.1953C>A on transcript NM_000038.6 (MANE Select); coding-DNA position 1953, C replaced by A.
Protein change: p.Asp651Glu; replaces aspartic acid 651 with glutamic acid.
Molecular consequence: missense variant.
Genome position (GRCh38, 1-based): chr5:112,835,160, C>A. VCF-style: chr5-112835160-C-A. GRCh37 (hg19) VCF-style: chr5-112170857-C-A.
Other names: c.1953C>A, p.Asp651Glu (NM_001127510.3, NM_001354895.2); c.1899C>A, p.Asp633Glu (NM_001127511.3); c.2007C>A, p.Asp669Glu (NM_001354896.2); c.1983C>A, p.Asp661Glu (NM_001354897.2); c.1878C>A, p.Asp626Glu (NM_001354898.2); c.1869C>A, p.Asp623Glu (NM_001354899.2); c.1830C>A, p.Asp610Glu (NM_001354900.2); c.1776C>A, p.Asp592Glu (NM_001354901.2); and 5 more; short protein forms D633E, D651E, D525E, D623E, D669E, D368E, D550E, D661E.
Identifiers: ClinVar variation 490231 (VCV000490231.15), dbSNP rs765308810, ClinGen allele CA029941.
Genomic context (GRCh38, chr5:112,835,160, plus strand): 5'-TATTGAAAGTGGAGGTGGGATATTACGGAATGTGTCCAGCTTGATAGCTACAAATGAGGA[C>A]CACAGGTATATATAGAGTTTTATATTACTTTTAAAGTACAGAATTCATACTCTCAAAAAG-3'
Protein context (NP_000029.2, residues 641-661): NVSSLIATNE[Asp651Glu]HRQILRENNC

ClinVar aggregate classification (germline): Uncertain significance. Review status: criteria provided, multiple submitters, no conflicts (2 of 4 stars). 3 submissions from 3 submitters: Uncertain significance (3). Last evaluated 2026-05-15.

Conditions:
Hereditary cancer-predisposing syndrome. Also called: Tumor predisposition; Hereditary neoplastic syndrome; Neoplastic Syndromes, Hereditary; Hereditary Cancer Syndrome. Identifiers: Orphanet 140162, MedGen C0027672, MeSH D009386, MONDO:0015356.
Familial adenomatous polyposis 1 (FAP1). Also called: POLYPOSIS, ADENOMATOUS INTESTINAL; FAMILIAL ADENOMATOUS POLYPOSIS 1, ATTENUATED. Identifiers: MedGen C2713442, MONDO:0021056, OMIM 175100. Disease mechanism: loss of function.

Allele frequency attached by ClinVar (database versions not stated): ExAC 0.00003; gnomAD 0.00003; gnomAD exomes 0.00003.
gnomAD v4.1: 17 of 1,612,210 alleles (0.0011%); highest among the groups gnomAD compares: Non-Finnish European, 0.000085%; no homozygotes.

Submissions (3):

Ambry Genetics
Classification: Uncertain significance for Hereditary cancer-predisposing syndrome. Last evaluated: 2026-05-15. Review status: criteria provided, single submitter. Criteria: Ambry Variant Classification Scheme 2023. Collection method: clinical testing. Allele origin: germline.
Comment: The p.D651E variant (also known as c.1953C>A), located in coding exon 14 of the APC gene, results from a C to A substitution at nucleotide position 1953. The aspartic acid at codon 651 is replaced by glutamic acid, an amino acid with highly similar properties. This amino acid position is well conserved in available vertebrate species. In addition, in silico predictors for this gene do not accurately predict pathogenicity. Missense variants in APC are not a common cause of disease (Spier I et al. Genet Med. 2024 Feb;26(2):100992). Based on the available evidence, the clinical significance of this variant remains unclear.

Labcorp Genetics (formerly Invitae), Labcorp
Classification: Uncertain significance for Familial adenomatous polyposis 1. Last evaluated: 2025-01-22. Review status: criteria provided, single submitter. Criteria: Invitae Variant Classification Sherloc (09022015). Collection method: clinical testing. Allele origin: germline.
Comment: This sequence change replaces aspartic acid, which is acidic and polar, with glutamic acid, which is acidic and polar, at codon 651 of the APC protein (p.Asp651Glu). This variant is present in population databases (rs765308810, gnomAD 0.03%). This variant has not been reported in the literature in individuals affected with APC-related conditions. ClinVar contains an entry for this variant (Variation ID: 490231). Invitae Evidence Modeling of protein sequence and biophysical properties (such as structural, functional, and spatial information, amino acid conservation, physicochemical variation, residue mobility, and thermodynamic stability) indicates that this missense variant is not expected to disrupt APC protein function with a negative predictive value of 95%. In summary, the available evidence is currently insufficient to determine the role of this variant in disease. Therefore, it has been classified as a Variant of Uncertain Significance.

Color Diagnostics, LLC DBA Color Health
Classification: Uncertain significance for Hereditary cancer-predisposing syndrome. Last evaluated: 2023-12-05. Review status: criteria provided, single submitter. Criteria: ACMG Guidelines, 2015. Collection method: clinical testing. Allele origin: germline.
Comment: This missense variant replaces aspartic acid with glutamic acid at codon 651 of the APC protein. Computational prediction suggests that this variant may not impact protein structure and function (internally defined REVEL score threshold <= 0.5, PMID: 27666373). To our knowledge, functional studies have not been reported for this variant. This variant has not been reported in individuals affected with APC-related disorders in the literature. This variant has been identified in 8/281296 chromosomes in the general population by the Genome Aggregation Database (gnomAD). The available evidence is insufficient to determine the role of this variant in disease conclusively. Therefore, this variant is classified as a Variant of Uncertain Significance.